The following is an entry in ClinVar:

ClinVar aggregate classification (germline): Uncertain significance. Review status: criteria provided, multiple submitters, no conflicts (2 of 4 stars). 2 submissions from 2 submitters: Uncertain significance (2). Last evaluated 2024-02-19.

Conditions:
Inborn genetic diseases. Identifiers: MedGen C0950123, MeSH D030342.
SHORT syndrome. Also called: LIPODYSTROPHY, PARTIAL, WITH RIEGER ANOMALY AND SHORT STATURE; PIK3R1-Related SHORT Syndrome; SHORT STATURE, HYPEREXTENSIBILITY, HERNIA, OCULAR DEPRESSION, RIEGER ANOMALY, AND TEETHING DELAY. Identifiers: Orphanet 3163, MedGen C0878684, MONDO:0010026, OMIM 269880.
Agammaglobulinemia 7, autosomal recessive (AGM7). Also called: AGAMMAGLOBULINEMIA, AUTOSOMAL RECESSIVE, DUE TO PIK3R1 DEFECT. Identifiers: MedGen C3554689, MONDO:0014083, OMIM 615214.
Immunodeficiency 36 with lymphoproliferation. Also called: Immunodeficiency 36; ACTIVATED PI3K-DELTA SYNDROME 2; Activated PI3K Delta Syndrome Type 2 (APDS2). Identifiers: Orphanet 397596, Orphanet 693681, MedGen C4014934, MONDO:0014453, OMIM 616005.

Submissions (2):

Labcorp Genetics (formerly Invitae), Labcorp
Classification: Uncertain significance for SHORT syndrome; Immunodeficiency 36 with lymphoproliferation; Agammaglobulinemia 7, autosomal recessive. Last evaluated: 2024-02-19. Review status: criteria provided, single submitter. Criteria: Invitae Variant Classification Sherloc (09022015). Collection method: clinical testing. Allele origin: germline.
Comment: This sequence change replaces methionine, which is neutral and non-polar, with isoleucine, which is neutral and non-polar, at codon 364 of the PIK3R1 protein (p.Met364Ile). This variant is not present in population databases (gnomAD no frequency). This variant has not been reported in the literature in individuals affected with PIK3R1-related conditions. An algorithm developed to predict the effect of missense changes on protein structure and function (PolyPhen-2) suggests that this variant is likely to be tolerated. In summary, the available evidence is currently insufficient to determine the role of this variant in disease. Therefore, it has been classified as a Variant of Uncertain Significance.

Ambry Genetics
Classification: Uncertain significance for Inborn genetic diseases. Last evaluated: 2023-12-17. Review status: criteria provided, single submitter. Criteria: Ambry Variant Classification Scheme 2023. Collection method: clinical testing. Allele origin: germline.

NM_181523.3(PIK3R1):c.1092G>A (p.Met364Ile)

Gene: PIK3R1 (phosphoinositide-3-kinase regulatory subunit 1; plus strand). Cytogenetic location: 5q13.1.
Variant type: single nucleotide variant.
Coding change: c.1092G>A on transcript NM_181523.3 (MANE Select); coding-DNA position 1092, G replaced by A.
Protein change: p.Met364Ile; replaces methionine 364 with isoleucine.
Molecular consequence: missense variant. On other transcripts: initiator codon variant (1).
Genome position (GRCh38, 1-based): chr5:68,293,173, G>A. VCF-style: chr5-68293173-G-A. GRCh37 (hg19) VCF-style: chr5-67589001-G-A.
Other names: c.3G>A, p.Met1Ile (NM_001242466.2); c.282G>A, p.Met94Ile (NM_181504.4); c.192G>A, p.Met64Ile (NM_181524.2); c.1092G>A (NM_181523.2); short protein forms M364I, M94I, M1I, M64I.
Identifiers: ClinVar variation 2954440 (VCV002954440.4), dbSNP rs2530995779, ClinGen allele CA359879237.